The following is an entry in ClinVar:

NM_000038.6(APC):c.7713T>C (p.Ser2571=)

Gene: APC (APC regulator of Wnt signaling pathway; plus strand). Cytogenetic location: 5q22.2.
Variant type: single nucleotide variant.
Coding change: c.7713T>C on transcript NM_000038.6 (MANE Select); coding-DNA position 7713, T replaced by C.
Protein change: p.Ser2571=; no amino-acid change (serine 2571 retained).
Molecular consequence: synonymous variant. On other transcripts: non-coding transcript variant (2).
Genome position (GRCh38, 1-based): chr5:112,843,307, T>C. VCF-style: chr5-112843307-T-C. GRCh37 (hg19) VCF-style: chr5-112179004-T-C.
Other names: c.7713T>C, p.Ser2571= (NM_001127510.3, NM_001354895.2, NM_001407450.1); c.7659T>C, p.Ser2553= (NM_001127511.3); c.7767T>C, p.Ser2589= (NM_001354896.2, NM_001407447.1, NM_001407448.1 and 1 more transcripts); c.7743T>C, p.Ser2581= (NM_001354897.2); c.7638T>C, p.Ser2546= (NM_001354898.2); c.7629T>C, p.Ser2543= (NM_001354899.2); c.7590T>C, p.Ser2530= (NM_001354900.2); c.7536T>C, p.Ser2512= (NM_001354901.2, NM_001407453.1); and 11 more.
Identifiers: ClinVar variation 1760280 (VCV001760280.10), dbSNP rs2149992436, ClinGen allele CA446211153.

ClinVar aggregate classification (germline): Likely benign. Review status: criteria provided, multiple submitters, no conflicts (2 of 4 stars). 2 submissions from 2 submitters: Likely benign (2). Last evaluated 2025-08-01.

Conditions:
Hereditary cancer-predisposing syndrome. Also called: Hereditary neoplastic syndrome; Neoplastic Syndromes, Hereditary; Tumor predisposition; Hereditary Cancer Syndrome. Identifiers: Orphanet 140162, MedGen C0027672, MeSH D009386, MONDO:0015356.

Submissions (2):

CeGaT Center for Human Genetics Tuebingen
Classification: Likely benign. Last evaluated: 2025-08-01. Review status: criteria provided, single submitter. Criteria: CeGaT Center For Human Genetics Tuebingen Variant Classification Criteria Version 2. Collection method: clinical testing. Allele origin: germline. Affected: yes. Observed: 1 variant allele.
Comment: APC: PM2:Supporting, BP4, BP7

Ambry Genetics
Classification: Likely benign for Hereditary cancer-predisposing syndrome. Last evaluated: 2020-11-10. Review status: criteria provided, single submitter. Criteria: Ambry Variant Classification Scheme 2023. Collection method: clinical testing. Allele origin: germline.